The following is an entry in ClinVar:

NM_019074.4(DLL4):c.82G>C (p.Gly28Arg)

Gene: DLL4 (delta like canonical Notch ligand 4; plus strand). Cytogenetic location: 15q15.1.
Variant type: single nucleotide variant.
Coding change: c.82G>C on transcript NM_019074.4 (MANE Select); coding-DNA position 82, G replaced by C.
Protein change: p.Gly28Arg; replaces glycine 28 with arginine.
Molecular consequence: missense variant.
Genome position (GRCh38, 1-based): chr15:40,929,862, G>C. VCF-style: chr15-40929862-G-C. GRCh37 (hg19) VCF-style: chr15-41222060-G-C.
Other names: short protein forms G28R.
Identifiers: ClinVar variation 992895 (VCV000992895.3), dbSNP rs1373760209, ClinGen allele CA391804078.
Genomic context (GRCh38, chr15:40,929,862, plus strand): 5'-AGCTGACCGGTCCCCTCCCTCCTTCCCTCGGTCCCTGTGCAATAGCGCGCGGCCGGCTCC[G>C]GCGTCTTCCAGCTGCAGCTGCAGGAGTTCATCAACGAGCGCGGCGTACTGGCCAGTGGGC-3'
Protein context (NP_061947.1, residues 18-38): ALWQQRAAGS[Gly28Arg]VFQLQLQEFI

ClinVar aggregate classification (germline): Likely pathogenic (0 of 4 stars; one submission).

Conditions:
Adams-Oliver syndrome 6 (AOS6). Identifiers: Orphanet 974, MedGen C4225271, MONDO:0014703, OMIM 616589.

Submission:

Center of Medical Genomics-TUH, Thammasat University
Classification: Likely pathogenic for Adams-Oliver syndrome 6. Last evaluated: 2020-12-18. Review status: no assertion criteria provided. Collection method: clinical testing. Allele origin: paternal. Inheritance: Autosomal dominant inheritance. Affected: yes. Observed: 1 hemizygote.
Comment: However, the Gly28 Ser was revealed higher affinity binding to Notch1 than wild type (Lcuca, et al.2015)

Literature cited by the submitters: PubMed 616589.